The following is an entry in ClinVar:

ClinVar aggregate classification (germline): Benign/Likely benign. Review status: criteria provided, multiple submitters, no conflicts (2 of 4 stars). 3 submissions from 3 submitters: Benign (1); Likely benign (1). 1 of the submissions does not count toward it. Last evaluated 2025-11-21.

Conditions:
MIPEP-related disorder. Also called: MIPEP-related condition.

Allele frequency attached by ClinVar (database versions not stated): gnomAD 0.00122 and 0.00126; TOPMed 0.00145; 1000 Genomes Project 0.00160; 1000 Genomes Project 30x 0.00172; ESP Exome Variant Server 0.00177.
gnomAD v4.1: 486 of 1,608,126 alleles (0.03%); highest among the groups gnomAD compares: African/African-American, 0.47%; 1 homozygote.

Submissions (3):

Labcorp Genetics (formerly Invitae), Labcorp
Classification: Benign. Last evaluated: 2025-11-21. Review status: criteria provided, single submitter. Criteria: Invitae Variant Classification Sherloc (09022015). Collection method: clinical testing. Allele origin: germline.

Blueprint Genetics
Classification: Likely benign. Last evaluated: 2024-07-01. Review status: criteria provided, single submitter. Criteria: ACMG Guidelines, 2015. Collection method: clinical testing. Allele origin: germline.

PreventionGenetics, part of Exact Sciences
Classification: Likely benign for MIPEP-related condition. Last evaluated: 2022-02-28. Review status: no assertion criteria provided. Collection method: clinical testing. Allele origin: germline. Not counted in ClinVar's aggregate classification.
Comment: This variant is classified as likely benign based on ACMG/AMP sequence variant interpretation guidelines (Richards et al. 2015 PMID: 25741868, with internal and published modifications).

NM_005932.4(MIPEP):c.280C>T (p.Arg94Cys)

Gene: MIPEP (mitochondrial intermediate peptidase; minus strand). Cytogenetic location: 13q12.12.
Variant type: single nucleotide variant.
Coding change: c.280C>T on transcript NM_005932.4 (MANE Select); coding-DNA position 280, C replaced by T.
Protein change: p.Arg94Cys; replaces arginine 94 with cysteine.
Molecular consequence: missense variant.
Genome position (GRCh38, 1-based): chr13:23,886,416, G>A on the plus strand (C>T on the coding strand, the complement: MIPEP is on the minus strand). VCF-style: chr13-23886416-G-A. GRCh37 (hg19) VCF-style: chr13-24460555-G-A.
Other names: short protein forms R94C.
Identifiers: ClinVar variation 721640 (VCV000721640.12), dbSNP rs147048880, ClinGen allele CA6913409.